The following is an entry in ClinVar:

NM_001348323.3(TRIP12):c.1180C>T (p.Arg394Ter)

Gene: TRIP12 (thyroid hormone receptor interactor 12; minus strand). Cytogenetic location: 2q36.3.
Variant type: single nucleotide variant.
Coding change: c.1180C>T on transcript NM_001348323.3 (MANE Select); coding-DNA position 1180, C replaced by T.
Protein change: p.Arg394Ter; replaces arginine 394 with a stop codon.
Molecular consequence: nonsense.
Genome position (GRCh38, 1-based): chr2:229,836,938, G>A on the plus strand (C>T on the coding strand, the complement: TRIP12 is on the minus strand). VCF-style: chr2-229836938-G-A. GRCh37 (hg19) VCF-style: chr2-230701654-G-A.
Other names: c.1180C>T, p.Arg394Ter (NM_001348315.2, NM_001348319.1, NM_001348320.2 and 13 more transcripts); c.1054C>T, p.Arg352Ter (NM_001348316.2, NM_001348317.1, NM_001348318.2 and 3 more transcripts); c.1093C>T, p.Arg365Ter (NM_001348332.1, NM_001348334.1); c.145C>T, p.Arg49Ter (NM_001284216.2); short protein forms R49*, R365*, R352*, R394*.
Identifiers: ClinVar variation 4088133 (VCV004088133.1).

ClinVar aggregate classification (germline): Pathogenic (1 of 4 stars; one submission).

Submission:

GeneDx
Classification: Pathogenic. Last evaluated: 2025-03-27. Review status: criteria provided, single submitter. Criteria: GeneDx Variant Classification Process June 2021. Collection method: clinical testing. Allele origin: germline. Affected: yes.
Comment: Not observed at significant frequency in large population cohorts (gnomAD); Nonsense variant predicted to result in protein truncation or nonsense mediated decay in a gene for which loss of function is a known mechanism of disease; This variant is associated with the following publications: (PMID: Nobakht 2024[CaseReport], 27848077)